The following is an entry in ClinVar:

NM_000284.4(PDHA1):c.869A>C (p.His290Pro)

Gene: PDHA1 (pyruvate dehydrogenase E1 subunit alpha 1; plus strand). Cytogenetic location: Xp22.12.
Variant type: single nucleotide variant.
Coding change: c.869A>C on transcript NM_000284.4 (MANE Select); coding-DNA position 869, A replaced by C.
Protein change: p.His290Pro; replaces histidine 290 with proline.
Molecular consequence: missense variant.
Genome position (GRCh38, 1-based): chrX:19,357,689, A>C. VCF-style: chrX-19357689-A-C. GRCh37 (hg19) VCF-style: chrX-19375807-A-C.
Other names: c.983A>C, p.His328Pro (NM_001173454.2); c.890A>C, p.His297Pro (NM_001173455.2); c.776A>C, p.His259Pro (NM_001173456.2); short protein forms H259P, H290P, H297P, H328P.
Identifiers: ClinVar variation 4070379 (VCV004070379.1).
Genomic context (GRCh38, chrX:19,357,689, plus strand): 5'-ACTGCCTACCGGTTCTGTTTTAGGGGCCCATCCTGATGGAGCTGCAGACTTACCGTTACC[A>C]CGGACACAGTATGAGTGACCCTGGAGTCAGGTACGCTCATGGGCAGTGTGGTTTCCATAG-3'
Protein context (NP_000275.1, residues 280-300): ILMELQTYRY[His290Pro]GHSMSDPGVS

ClinVar aggregate classification (germline): Likely pathogenic (0 of 4 stars; one submission).

Conditions:
Pyruvate dehydrogenase E1-alpha deficiency (PDHAD). Also called: ATAXIA, INTERMITTENT, WITH PYRUVATE DEHYDROGENASE DEFICIENCY; ATAXIA WITH LACTIC ACIDOSIS I; ATAXIA, INTERMITTENT, WITH ABNORMAL PYRUVATE METABOLISM; Ataxia, intermittent, with pyruvate dehydrogenase, or decarboxylase, deficiency. Identifiers: Orphanet 79243, MedGen C1839413, MONDO:0010717, OMIM 312170.

Submission:

PDHA1 Study Group, University Children’s Hospital, Paracelsus Medical University
Classification: Likely pathogenic for Pyruvate dehydrogenase E1-alpha deficiency. Last evaluated: 2024-10-15. Review status: no assertion criteria provided. Collection method: research. Allele origin: de novo. Affected: yes. Observed: 1 variant allele.
Comment: The NM_000284.3:c.869A>C (p.His290Pro) substitution is a missense variant in PDHA1 gene. Among them, 1 case had confirmed de novo occurrence. Last literature search: July 12, 2024. This variant is absent or extremely rare in population-based cohorts in the Genome Aggregation Database (gnomAD). Individuals harboring this variant presented with clinical features compatible with PDHA1-related PDHc deficiency. In summary, this variant meets criteria to be classified as likely pathogenic (LP) for PDHA1-related PDHc deficiency based on the ACMG/AMP criteria applied: PS2, PM1, PM2, PP3 (last assessment October 15, 2024).

Literature cited by the submitters: PubMed 38286917; DOI 10.1093/brain/awaf430.